The following is an entry in ClinVar:

NM_000518.5(HBB):c.344T>C (p.Leu115Pro)

Genes: HBB (hemoglobin subunit beta; minus strand), LOC107133510 (origin of replication at HBB; plus strand), LOC110006319 (beta-globin gene 3' regulatory region; plus strand). Cytogenetic location: 11p15.4.
Variant type: single nucleotide variant.
Coding change: c.344T>C on transcript NM_000518.5 (MANE Select); coding-DNA position 344, T replaced by C.
Protein change: p.Leu115Pro; replaces leucine 115 with proline.
Molecular consequence: missense variant.
Genome position (GRCh38, 1-based): chr11:5,225,698, A>G on the plus strand (T>C on the coding strand, the complement: HBB is on the minus strand). VCF-style: chr11-5225698-A-G. GRCh37 (hg19) VCF-style: chr11-5246928-A-G.
Other names: L114P; short protein forms L115P.
Identifiers: ClinVar variation 15513 (VCV000015513.24), dbSNP rs36015961, ClinGen allele CA125376.

ClinVar aggregate classification (germline): Pathogenic/Likely pathogenic. Review status: criteria provided, multiple submitters, no conflicts (2 of 4 stars). 10 submissions from 8 submitters: Pathogenic (5); Likely pathogenic (1). 4 of the submissions do not count toward it. Last evaluated 2026-02-23.

Conditions:
Hb SS disease (SCD). Also called: Hemoglobin SS; Sickle cell anemia; Sickle cell disease; HbS disease; Hemoglobin S Disease; Sickling disorder due to hemoglobin S. Identifiers: Orphanet 232, Orphanet 275752, MedGen C0002895, MONDO:0011382, OMIM 603903.
Heinz body anemia. Also called: Heinz body hemolytic anemia. Identifiers: Orphanet 178330, MedGen C0700299, MONDO:0007705, OMIM 140700, HP:0005511.
Dominant beta-thalassemia. Also called: Beta-thalassemia, dominant inclusion body type. Identifiers: Orphanet 231226, Orphanet 848, MedGen C1858990, MONDO:0011381, OMIM 603902.
Beta-thalassemia HBB/LCRB. Identifiers: MedGen CN322236, MONDO:0013517, OMIM 613985.
Erythrocytosis, familial, 6. Also called: POLYCYTHEMIA, BETA-GLOBIN TYPE; ERYTHROCYTOSIS, BETA-GLOBIN TYPE. Identifiers: MedGen C4693822, MONDO:0054801, OMIM 617980.
METHEMOGLOBINEMIA, BETA TYPE. Also called: Methemoglobinemia, beta-globin type. Identifiers: MedGen C1840779, OMIM 617971.
Malaria, susceptibility to. Identifiers: Orphanet 673, MedGen C1970028, MONDO:0021024, OMIM 611162.
Hereditary persistence of fetal hemoglobin. Identifiers: MedGen C0019025, MONDO:0020989, OMIM 141749.
HEMOGLOBIN DURHAM-N.C..
Beta thalassemia intermedia (BTHAL-ITMD). Identifiers: Orphanet 231222, MedGen C0472767, MONDO:0016487.
beta Thalassemia (BTHAL). Also called: Cooley's anemia; Erythroblastic anemia; Mediterranean anemia. Identifiers: Orphanet 848, MedGen C0005283, MONDO:0019402. Disease mechanism: loss of function.
HEMOGLOBIN BRESCIA.

Submissions (10):

Dasa
Classification: Pathogenic. Last evaluated: 2026-02-23. Review status: criteria provided, single submitter. Criteria: DASA Assertion Criteria. Collection method: clinical testing. Allele origin: germline.
Comment: NM_000518.5(HBB):c.344T>C (p.Leu115Pro) is a missense variant that results in the substitution of leucine with proline. De novo occurrence has been reported in an individual with related phenotype. Segregation evidence has been reported in affected families. Functional evidence supports a deleterious effect on the gene or gene product (PMID: 23776097; PMID: 31456457; PMID: 1301199; PMID: 8111050; PMID: 11300352). This variant has been recurrently observed in individuals with related phenotype (PMID: 23776097; PMID: 31456457; PMID: 1301199; PMID: 8111050; PMID: 11300352). Multiple computational predictions support a deleterious effect on the gene or gene product. The variant is present at low frequency in population datasets. Based on the available data, this variant is classified as pathogenic.

ARUP Laboratories, Molecular Genetics and Genomics, ARUP Laboratories
Classification: Pathogenic. Last evaluated: 2024-08-09. Review status: criteria provided, single submitter. Criteria: ARUP Molecular Germline Variant Investigation Process 2024. Collection method: clinical testing. Allele origin: germline.
Comment: The Hb Durham-N.C. variant (HBB: c.344T>C; p.Leu115Pro, also known as Hb Brescia, or Leu114Pro when numbered from the mature protein, rs36015961, HbVar ID: 493, ClinVar Variation ID: 15513) is described in the literature to cause a dominant thalassemia-like phenotype. It is reported in the heterozygous state in several individuals and families with beta-thalassemia intermedia, and in the compound heterozygous state in individuals with a severe thalassemia (Cannata 2019, Curuk 1994, de Castro 1994, Kim 2001, Murru 1992, Ropero 2012, Rund 1997). This variant is absent from the Genome Aggregation Database (v2.1.1), indicating it is not a common polymorphism. Computational analyses predict that this variant is deleterious (REVEL: 0.908). Based on available, information, this variant is considered to be pathogenic. References: Link to HbVar database: Cannata M et al. Double Heterozygosity for Hb Durham-N.C. (HBB: c.344T>C) (B114(G16)Leu->Pro) and the IVS-I-110 (HBB: c.93-21G>A) Causing a Severe B-Thalassemia Phenotype. Hemoglobin. 2019 May;43(3):210-213. PMID: 31456457. Curuk MA et al. Beta-thalassemia alleles and unstable hemoglobin types among Russian pediatric patients. Am J Hematol. 1994 Aug;46(4):329-32. PMID: 8037185. de Castro CM et al. A novel beta-globin mutation, beta Durham-NC (beta 114 Leu-->Pro), produces a dominant thalassemia-like phenotype. Blood. 1994 Feb 15;83(4):1109-16. PMID: 8111050. Kim JY et al. A Korean family with a dominantly inherited beta-thalassemia due to Hb Durham-N.C./Brescia. Hemoglobin. 2001 Feb;25(1):79-89. PMID: 11300352. Murru S et al. A novel beta-globin structural mutant, Hb Brescia (beta 114 Leu-Pro), causing a severe beta-thalassemia intermedia phenotype. Hum Mutat. 1992;1(2):124-8. PMID: 1301199. Ropero P et al. Another Hb with inclusion bodies B-thalassemia, owing to Hb Durham-N.C. (B114(G16) Leu > Pro). First case described in Hispanic populations. Ann Hematol. 2012 May;91(5):781-784. PMID: 21845419. Rund D et al. Genetic analysis of beta-thalassemia intermedia in Israel: diversity of mechanisms and unpredictability of phenotype. Am J Hematol. 1997 Jan;54(1):16-22. PMID: 8980256.

Fulgent Genetics
Classification: Likely pathogenic for Heinz body anemia; Hereditary persistence of fetal hemoglobin; Dominant beta-thalassemia; Hb SS disease; Malaria, susceptibility to; Beta-thalassemia HBB/LCRB; METHEMOGLOBINEMIA, BETA TYPE; Erythrocytosis, familial, 6. Last evaluated: 2024-01-29. Review status: criteria provided, single submitter. Criteria: ACMG Guidelines, 2015. Collection method: clinical testing. Allele origin: germline.

Women's Health and Genetics/Laboratory Corporation of America, LabCorp
Classification: Pathogenic for Dominant beta-thalassemia. Last evaluated: 2023-07-27. Review status: criteria provided, single submitter. Criteria: LabCorp Variant Classification Summary - May 2015. Collection method: clinical testing. Allele origin: germline.
Comment: Variant summary: HBB c.344T>C (p.Leu115Pro) results in a non-conservative amino acid change in the encoded protein sequence. Five of five in-silico tools predict a damaging effect of the variant on protein function. The variant was absent in 251222 control chromosomes (gnomAD). c.344T>C (aka. Hb Durham-N.C. or Hb Brescia) has been reported in the literature in multiple individuals affected with Dominant Beta Thalassemia (e.g. Curuk_1994, deCastro_1994, Rund_1997, Park_2002, Ropero_2012), and in many of these cases inclusion body formation was also noted. These data indicate that the variant is very likely to be associated with disease. To our knowledge, no experimental evidence demonstrating an impact on protein function has been reported. The following publications have been ascertained in the context of this evaluation (PMID: 8980256, 8111050, 8037185, 12144056, 21845419). Three other clinical diagnostic laboratories have submitted clinical-significance assessments for this variant to ClinVar after 2014 without evidence for independent evaluation, and both of them classified the variant as pathogenic. Based on the evidence outlined above, the variant was classified as pathogenic.

Mayo Clinic Laboratories, Mayo Clinic
Classification: Pathogenic. Last evaluated: 2021-03-23. Review status: criteria provided, single submitter. Criteria: ACMG Guidelines, 2015. Collection method: clinical testing. Allele origin: germline. Observed: 1 variant allele.

Quest Diagnostics Nichols Institute San Juan Capistrano
Classification: Pathogenic. Last evaluated: 2018-04-26. Review status: criteria provided, single submitter. Criteria: Quest Diagnostics criteria. Collection method: clinical testing. Allele origin: germline.

Natera, Inc.
Classification: Pathogenic for Beta thalassemia. Last evaluated: 2017-09-15. Review status: no assertion criteria provided. Collection method: clinical testing. Allele origin: germline. Not counted in ClinVar's aggregate classification.

OMIM
Classification: Pathogenic for BETA-THALASSEMIA INTERMEDIA. Last evaluated: 2001-02-01. Review status: no assertion criteria provided. Collection method: literature only. Allele origin: germline. Not counted in ClinVar's aggregate classification.

OMIM
Classification: other for HEMOGLOBIN BRESCIA. Last evaluated: 2001-02-01. Review status: no assertion criteria provided. Collection method: literature only. Allele origin: germline. Not counted in ClinVar's aggregate classification.

OMIM
Classification: other for HEMOGLOBIN DURHAM-N.C.. Last evaluated: 2001-02-01. Review status: no assertion criteria provided. Collection method: literature only. Allele origin: germline. Not counted in ClinVar's aggregate classification.

Literature cited by the submitters: PubMed 23776097 (cited by Dasa); PubMed 31456457 (cited by Dasa); PubMed 1301199 (cited by Dasa and OMIM); PubMed 8111050 (cited by Dasa and Women's Health and Genetics/Laboratory Corporation of America, LabCorp); PubMed 11300352 (cited by 3 submitters); PubMed 8980256 (cited by Women's Health and Genetics/Laboratory Corporation of America, LabCorp); PubMed 8037185 (cited by Women's Health and Genetics/Laboratory Corporation of America, LabCorp); PubMed 12144056 (cited by Women's Health and Genetics/Laboratory Corporation of America, LabCorp); PubMed 21845419 (cited by Women's Health and Genetics/Laboratory Corporation of America, LabCorp); PubMed 3446652 (cited by OMIM); PubMed 5698750 (cited by OMIM).